The following is an entry in ClinVar:

NM_001267550.2(TTN):c.32011+10C>G

Gene: TTN (titin; minus strand). Cytogenetic location: 2q31.2.
Variant type: single nucleotide variant.
Coding change: c.32011+10C>G on transcript NM_001267550.2 (MANE Select); 10 bases into the intron after coding-DNA position 32011, C replaced by G.
Molecular consequence: intron variant.
Genome position (GRCh38, 1-based): chr2:178,689,280, G>C on the plus strand (C>G on the coding strand, the complement: TTN is on the minus strand). VCF-style: chr2-178689280-G-C. GRCh37 (hg19) VCF-style: chr2-179554007-G-C.
Other names: c.13283-46963C>G (NM_003319.4); c.13859-46963C>G (NM_133437.4); c.13658-46963C>G (NM_133432.3); c.28279+10C>G (NM_133378.4); c.31060+10C>G (NM_001256850.1).
Identifiers: ClinVar variation 96279 (VCV000096279.22), dbSNP rs192002980, ClinGen allele CA223922.
Genomic context (GRCh38, chr2:178,689,280, plus strand): 5'-ACTCATATCACAAAACTAACAAAATCACTGGAACATAAAGACAGTTCTTGGGAAGATGGA[G>C]AAACAATACCTTTTGGTGGTGGTGGAACTTCTTCCTCCTTCCGAGGAACAGGTTTCCTTT-3'

ClinVar aggregate classification (germline): Benign/Likely benign. Review status: criteria provided, multiple submitters, no conflicts (2 of 4 stars). 11 submissions from 8 submitters: Benign (10); Likely benign (1). Last evaluated 2026-02-02.

Conditions:
Dilated cardiomyopathy 1G (CMD1G). Identifiers: Orphanet 154, MedGen C1858763, MONDO:0011400, OMIM 604145.
Autosomal recessive limb-girdle muscular dystrophy type 2J (LGMDR10). Also called: Limb-girdle muscular dystrophy, type 2J; MUSCULAR DYSTROPHY, LIMB-GIRDLE, AUTOSOMAL RECESSIVE 10. Identifiers: Orphanet 140922, MedGen C1837342, MONDO:0012127, OMIM 608807.
Tibial muscular dystrophy (TMD). Also called: UDD MYOPATHY; Tibial muscular dystrophy, tardive; Udd Distal Myopathy – Tibial Muscular Dystrophy. Identifiers: Orphanet 609, MedGen C1838244, MONDO:0010870, OMIM 600334.
Early-onset myopathy with fatal cardiomyopathy (CMYO5). Also called: Salih Myopathy; CONGENITAL MYOPATHY 5 WITH CARDIOMYOPATHY. Identifiers: Orphanet 289377, MedGen C2673677, MONDO:0012714, OMIM 611705. Disease mechanism: loss of function.
Myopathy, myofibrillar, 9, with early respiratory failure (MFM9). Also called: Hereditary myopathy with early respiratory failure; MYOPATHY, PROXIMAL, WITH EARLY RESPIRATORY MUSCLE INVOLVEMENT; Myopathy, distal, with early respiratory failure, autosomal dominant; EDSTROM MYOPATHY. Identifiers: Orphanet 178464, Orphanet 34521, MedGen C1863599, MONDO:0011362, OMIM 603689.

Allele frequency attached by ClinVar (database versions not stated): ExAC 0.00138; 1000 Genomes Project 30x 0.00234; ESP Exome Variant Server 0.00017; gnomAD exomes 0.00035 and 0.00171; gnomAD 0.00056 and 0.00060; 1000 Genomes Project 0.00240; TOPMed 0.00098.
gnomAD v4.1: 595 of 1,609,746 alleles (0.037%); highest among the groups gnomAD compares: Admixed American, 0.94%; 1 homozygote.

Submissions (11):

Labcorp Genetics (formerly Invitae), Labcorp
Classification: Benign for Dilated cardiomyopathy 1G; Autosomal recessive limb-girdle muscular dystrophy type 2J. Last evaluated: 2026-02-02. Review status: criteria provided, single submitter. Criteria: Invitae Variant Classification Sherloc (09022015). Collection method: clinical testing. Allele origin: germline.

Blueprint Genetics
Classification: Likely benign. Last evaluated: 2024-08-16. Review status: criteria provided, single submitter. Criteria: ACMG Guidelines, 2015. Collection method: clinical testing. Allele origin: germline.

Genome-Nilou Lab
Classification: Benign for Autosomal recessive limb-girdle muscular dystrophy type 2J. Last evaluated: 2021-09-10. Review status: criteria provided, single submitter. Criteria: ACMG Guidelines, 2015. Collection method: clinical testing. Allele origin: germline. Affected: no.

Genome-Nilou Lab
Classification: Benign for Myopathy, myofibrillar, 9, with early respiratory failure. Last evaluated: 2021-09-10. Review status: criteria provided, single submitter. Criteria: ACMG Guidelines, 2015. Collection method: clinical testing. Allele origin: germline. Affected: no.

Genome-Nilou Lab
Classification: Benign for Early-onset myopathy with fatal cardiomyopathy. Last evaluated: 2021-09-10. Review status: criteria provided, single submitter. Criteria: ACMG Guidelines, 2015. Collection method: clinical testing. Allele origin: germline. Affected: no.

Genome-Nilou Lab
Classification: Benign for Tibial muscular dystrophy. Last evaluated: 2021-09-10. Review status: criteria provided, single submitter. Criteria: ACMG Guidelines, 2015. Collection method: clinical testing. Allele origin: germline. Affected: no.

Women's Health and Genetics/Laboratory Corporation of America, LabCorp
Classification: Benign. Last evaluated: 2020-06-29. Review status: criteria provided, single submitter. Criteria: LabCorp Variant Classification Summary - May 2015. Collection method: clinical testing. Allele origin: germline.

Athena Diagnostics
Classification: Benign. Last evaluated: 2017-05-11. Review status: criteria provided, single submitter. Criteria: Athena Diagnostics Criteria. Collection method: clinical testing. Allele origin: germline.

Eurofins Ntd Llc (ga)
Classification: Benign. Last evaluated: 2015-12-11. Review status: criteria provided, single submitter. Criteria: EGL Classification Definitions 2015. Collection method: clinical testing. Allele origin: germline. Observed: 1 variant allele, 1 heterozygote.

GeneDx
Classification: Benign. Last evaluated: 2014-03-20. Review status: criteria provided, single submitter. Criteria: GeneDx Variant Classification (06012015). Collection method: clinical testing. Allele origin: germline. Affected: yes.
Comment: This variant is considered likely benign or benign based on one or more of the following criteria: it is a conservative change, it occurs at a poorly conserved position in the protein, it is predicted to be benign by multiple in silico algorithms, and/or has population frequency not consistent with disease.

Breakthrough Genomics
Classification: Benign. Review status: criteria provided, single submitter. Criteria: ACMG Guidelines, 2015. Collection method: not provided. Allele origin: germline. Inheritance: Autosomal recessive inheritance. Affected: yes.